The following is an entry in ClinVar:

NM_006612.6(KIF1C):c.1618C>T (p.Arg540Trp)

Gene: KIF1C (kinesin family member 1C; plus strand). Cytogenetic location: 17p13.2.
Variant type: single nucleotide variant.
Coding change: c.1618C>T on transcript NM_006612.6 (MANE Select); coding-DNA position 1618, C replaced by T.
Protein change: p.Arg540Trp; replaces arginine 540 with tryptophan.
Molecular consequence: missense variant.
Genome position (GRCh38, 1-based): chr17:5,014,789, C>T. VCF-style: chr17-5014789-C-T. GRCh37 (hg19) VCF-style: chr17-4918084-C-T.
Other names: c.1618C>T (NM_006612.5); short protein forms R540W.
Identifiers: ClinVar variation 1954202 (VCV001954202.4), dbSNP rs752955920, ClinGen allele CA8319068.
Genomic context (GRCh38, chr17:5,014,789, plus strand): 5'-CATTGCTTCCCCAGGGTCGGCCAAGTAGATATGGACATCAAGCTGACCGGACAGTTCATT[C>T]GGGAGCAACACTGTCTGTTCCGGAGCATCCCCCAGCCAGATGGAGAAGGTAATGGCTGAG-3'
Protein context (NP_006603.2, residues 530-550): MDIKLTGQFI[Arg540Trp]EQHCLFRSIP

ClinVar aggregate classification (germline): Uncertain significance. Review status: criteria provided, multiple submitters, no conflicts (2 of 4 stars). 2 submissions from 2 submitters: Uncertain significance (2). Last evaluated 2023-08-08.

Conditions:
Inborn genetic diseases. Identifiers: MedGen C0950123, MeSH D030342.
Spastic ataxia 2. Also called: Ataxia, spastic, 2, autosomal recessive. Identifiers: Orphanet 397946, MedGen C1969796, MONDO:0012651, OMIM 611302.

Allele frequency attached by ClinVar (database versions not stated): gnomAD 0.00001; gnomAD exomes 0.00001; ExAC 0.00002.
gnomAD v4.1: 17 of 1,602,102 alleles (0.0011%); highest among the groups gnomAD compares: South Asian, 0.0023%; no homozygotes.

Submissions (2):

Ambry Genetics
Classification: Uncertain significance for Inborn genetic diseases. Last evaluated: 2023-08-08. Review status: criteria provided, single submitter. Criteria: Ambry Variant Classification Scheme 2023. Collection method: clinical testing. Allele origin: germline.

Labcorp Genetics (formerly Invitae), Labcorp
Classification: Uncertain significance for Spastic ataxia 2. Last evaluated: 2022-04-24. Review status: criteria provided, single submitter. Criteria: Invitae Variant Classification Sherloc (09022015). Collection method: clinical testing. Allele origin: germline.
Comment: This sequence change replaces arginine, which is basic and polar, with tryptophan, which is neutral and slightly polar, at codon 540 of the KIF1C protein (p.Arg540Trp). The frequency data for this variant in the population databases is considered unreliable, as metrics indicate poor data quality at this position in the gnomAD database. This variant has not been reported in the literature in individuals affected with KIF1C-related conditions. Algorithms developed to predict the effect of missense changes on protein structure and function are either unavailable or do not agree on the potential impact of this missense change (SIFT: "Deleterious"; PolyPhen-2: "Benign"; Align-GVGD: "Class C35"). In summary, the available evidence is currently insufficient to determine the role of this variant in disease. Therefore, it has been classified as a Variant of Uncertain Significance.